The following is an entry in ClinVar:

ClinVar aggregate classification (germline): Benign. Review status: criteria provided, multiple submitters, no conflicts (2 of 4 stars). 11 submissions from 11 submitters: Benign (9). 2 of the submissions do not count toward it. Last evaluated 2026-02-04.

Conditions:
Autosomal recessive early-onset Parkinson disease 6 (PARK6). Also called: PARKINSON DISEASE 6, EARLY-ONSET; PARKINSON DISEASE 6, MODIFIER OF; PINK1-Related Parkinson Disease; PINK1 Type of Young-Onset Parkinson Disease. Identifiers: Orphanet 2828, MedGen C1853833, MONDO:0011613, OMIM 605909.

Allele frequency attached by ClinVar (database versions not stated): ESP Exome Variant Server 0.12155; 1000 Genomes Project 0.12859; 1000 Genomes Project 30x 0.12961; TOPMed 0.15123; gnomAD 0.15436 and 0.15492; gnomAD exomes 0.17555; ExAC 0.22505.
gnomAD v4.1: 286,880 of 1,537,436 alleles (19%); highest among the groups gnomAD compares: Middle Eastern, 24%; 28,117 homozygotes.

Submissions (11):

Labcorp Genetics (formerly Invitae), Labcorp
Classification: Benign for Autosomal recessive early-onset Parkinson disease 6. Last evaluated: 2026-02-04. Review status: criteria provided, single submitter. Criteria: Invitae Variant Classification Sherloc (09022015). Collection method: clinical testing. Allele origin: germline.

Unidad de Genómica Garrahan, Hospital de Pediatría Garrahan
Classification: Benign. Last evaluated: 2024-07-31. Review status: criteria provided, single submitter. Criteria: ACMG Guidelines, 2015. Collection method: clinical testing. Allele origin: germline. Affected: no. Observed: 22 variant alleles.
Comment: This variant is classified as Benign based on local population frequency. This variant was detected in 24% of patients studied in a panel designed for Epileptic and Developmental Encephalopathy, Progressive Myoclonus Epilepsy and Abnormal Movements and Neurodegeneration with brain iron accumulation. Number of patients: 22. Only high quality variants are reported.

Mayo Clinic Laboratories, Mayo Clinic
Classification: Benign. Last evaluated: 2022-03-24. Review status: criteria provided, single submitter. Criteria: ACMG Guidelines, 2015. Collection method: clinical testing. Allele origin: germline. Observed: 219 variant alleles.

GeneDx
Classification: Benign. Last evaluated: 2018-08-28. Review status: criteria provided, single submitter. Criteria: GeneDx Variant Classification Process June 2021. Collection method: clinical testing. Allele origin: germline. Affected: yes.

Illumina Laboratory Services, Illumina
Classification: Benign for Autosomal recessive early-onset Parkinson disease 6. Last evaluated: 2018-01-13. Review status: criteria provided, single submitter. Criteria: ICSL Variant Classification Criteria 13 December 2019. Collection method: clinical testing. Allele origin: germline.
Comment: This variant was observed in the ICSL laboratory as part of a predisposition screen in an ostensibly healthy population. It had not been previously curated by ICSL or reported in the Human Gene Mutation Database (HGMD: prior to June 1st, 2018), and was therefore a candidate for classification through an automated scoring system. Utilizing variant allele frequency, disease prevalence and penetrance estimates, and inheritance mode, an automated score was calculated to assess if this variant is too frequent to cause the disease. Based on the score and internal cut-off values, a variant classified as benign is not then subjected to further curation. The score for this variant resulted in a classification of benign for this disease.

Athena Diagnostics
Classification: Benign for Autosomal recessive early-onset Parkinson disease 6. Last evaluated: 2017-04-27. Review status: criteria provided, single submitter. Criteria: Athena Diagnostics Criteria. Collection method: clinical testing. Allele origin: germline.

Eurofins Ntd Llc (ga)
Classification: Benign. Last evaluated: 2017-02-01. Review status: criteria provided, single submitter. Criteria: EGL Classification Definitions 2015. Collection method: clinical testing. Allele origin: germline. Observed: 2 variant alleles, 2 heterozygotes.

Breakthrough Genomics
Classification: Benign. Review status: criteria provided, single submitter. Criteria: ACMG Guidelines, 2015. Collection method: not provided. Allele origin: germline. Inheritance: Autosomal recessive inheritance. Affected: yes.

PreventionGenetics, part of Exact Sciences
Classification: Benign. Review status: criteria provided, single submitter. Criteria: ACMG Guidelines, 2015. Collection method: clinical testing. Allele origin: germline.

Clinical Genetics DNA and cytogenetics Diagnostics Lab, Erasmus MC, Erasmus Medical Center
Classification: Benign. Review status: no assertion criteria provided. Collection method: clinical testing. Allele origin: germline. Affected: yes. Study: VKGL Data-share Consensus. Not counted in ClinVar's aggregate classification.

Genome Diagnostics Laboratory, Amsterdam University Medical Center
Classification: Benign. Review status: no assertion criteria provided. Collection method: clinical testing. Allele origin: germline. Affected: yes. Study: VKGL Data-share Consensus. Not counted in ClinVar's aggregate classification.

NM_032409.3(PINK1):c.189C>T (p.Leu63=)

Genes: MIR6084 (microRNA 6084; plus strand), PINK1 (PTEN induced kinase 1; plus strand). Cytogenetic location: 1p36.12.
Variant type: single nucleotide variant.
Coding change: c.189C>T on transcript NM_032409.3 (MANE Select); coding-DNA position 189, C replaced by T.
Protein change: p.Leu63=; no amino-acid change (leucine 63 retained).
Molecular consequence: synonymous variant. On other transcripts: non-coding transcript variant (1).
Genome position (GRCh38, 1-based): chr1:20,633,737, C>T. VCF-style: chr1-20633737-C-T. GRCh37 (hg19) VCF-style: chr1-20960230-C-T.
Other names: p.Leu63=.
Identifiers: ClinVar variation 262026 (VCV000262026.27), dbSNP rs45530340, ClinGen allele CA660344.